The following is an entry in ClinVar:

NM_004525.3(LRP2):c.10880G>T (p.Ser3627Ile)

Gene: LRP2 (LDL receptor related protein 2; minus strand). Cytogenetic location: 2q31.1.
Variant type: single nucleotide variant.
Coding change: c.10880G>T on transcript NM_004525.3 (MANE Select); coding-DNA position 10880, G replaced by T.
Protein change: p.Ser3627Ile; replaces serine 3627 with isoleucine.
Molecular consequence: missense variant.
Genome position (GRCh38, 1-based): chr2:169,174,053, C>A on the plus strand (G>T on the coding strand, the complement: LRP2 is on the minus strand). VCF-style: chr2-169174053-C-A. GRCh37 (hg19) VCF-style: chr2-170030563-C-A.
Other names: short protein forms S3627I.
Identifiers: ClinVar variation 1197207 (VCV001197207.15), dbSNP rs138660534, ClinGen allele CA1953228.
Genomic context (GRCh38, chr2:169,174,053, plus strand): 5'-CAGCGGCCATTAGCACACCGAAACTGGCCCGGCCGGCAGGTCCTGCTGGCACAGTGGGAA[C>A]TGTCTTCATCTGAGTTATCCTCACAGTCGTTAAATGTGTCACACTGCCAGGATTCTGGGA-3'
Protein context (NP_004516.2, residues 3617-3637): NDCEDNSDED[Ser3627Ile]SHCASRTCRP

ClinVar aggregate classification (germline): Conflicting classifications of pathogenicity. Review status: criteria provided, conflicting classifications (1 of 4 stars). 5 submissions from 5 submitters: Uncertain significance (3); Likely benign (2). Last evaluated 2026-04-09.

Conditions:
Inborn genetic diseases. Identifiers: MedGen C0950123, MeSH D030342.
LRP2-related disorder. Also called: LRP2-related condition.

Allele frequency attached by ClinVar (database versions not stated): gnomAD exomes 0.00001 and 0.00006; ExAC 0.00007; TOPMed 0.00022; gnomAD 0.00026 and 0.00027; ESP Exome Variant Server 0.00038; 1000 Genomes Project 0.00040; 1000 Genomes Project 30x 0.00047.
gnomAD v4.1: 62 of 1,614,232 alleles (0.0038%); highest among the groups gnomAD compares: African/African-American, 0.077%; no homozygotes.

Submissions (5):

PreventionGenetics, part of Exact Sciences
Classification: Uncertain significance for LRP2-related condition. Last evaluated: 2026-04-09. Review status: criteria provided, single submitter. Criteria: ACMG Guidelines, 2015. Collection method: clinical testing. Allele origin: germline.
Comment: The LRP2 c.10880G>T variant is predicted to result in the amino acid substitution p.Ser3627Ile. To our knowledge, this variant has not been reported in the literature. This variant is reported in 0.076% of alleles in individuals of African descent in gnomAD. Although we suspect that this variant may be benign, at this time, the clinical significance of this variant is uncertain due to the absence of conclusive functional and genetic evidence.

Labcorp Genetics (formerly Invitae), Labcorp
Classification: Likely benign. Last evaluated: 2026-01-25. Review status: criteria provided, single submitter. Criteria: Invitae Variant Classification Sherloc (09022015). Collection method: clinical testing. Allele origin: germline.

GeneDx
Classification: Uncertain significance. Last evaluated: 2025-04-02. Review status: criteria provided, single submitter. Criteria: GeneDx Variant Classification Process June 2021. Collection method: clinical testing. Allele origin: germline. Affected: yes.
Comment: In silico analysis supports that this missense variant has a deleterious effect on protein structure/function; Has not been previously published as pathogenic or benign to our knowledge

Blueprint Genetics
Classification: Likely benign. Last evaluated: 2024-01-30. Review status: criteria provided, single submitter. Criteria: ACMG Guidelines, 2015. Collection method: clinical testing. Allele origin: germline.

Ambry Genetics
Classification: Uncertain significance for Inborn genetic diseases. Last evaluated: 2022-04-25. Review status: criteria provided, single submitter. Criteria: Ambry Variant Classification Scheme 2023. Collection method: clinical testing. Allele origin: germline.